The following is an entry in ClinVar:

ClinVar aggregate classification (germline): Uncertain significance. Review status: criteria provided, multiple submitters, no conflicts (2 of 4 stars). 3 submissions from 3 submitters: Uncertain significance (3). Last evaluated 2025-07-19.

Conditions:
Gastrointestinal stromal tumor. Also called: Gastrointestinal stroma tumor; Gastrointestinal stromal tumor, somatic. Identifiers: Orphanet 44890, MedGen C0238198, MeSH D046152, MONDO:0011719, OMIM 606764, HP:0100723.
Pheochromocytoma/paraganglioma syndrome 3. Also called: SDHC-Related Hereditary Paraganglioma-Pheochromocytoma Syndrome (Paragangliomas 3); GLOMUS TUMORS, FAMILIAL, 3; SDHC-Related Hereditary Paraganglioma-Pheochromocytoma Syndrome; Paragangliomas 3. Identifiers: Orphanet 29072, MedGen C1854336, MONDO:0011544, OMIM 605373.
Hereditary cancer-predisposing syndrome. Also called: Tumor predisposition; Hereditary neoplastic syndrome; Neoplastic Syndromes, Hereditary; Hereditary Cancer Syndrome. Identifiers: Orphanet 140162, MedGen C0027672, MeSH D009386, MONDO:0015356.

Allele frequency attached by ClinVar (database versions not stated): TOPMed below 0.00001.

Submissions (3):

Ambry Genetics
Classification: Uncertain significance for Hereditary cancer-predisposing syndrome. Last evaluated: 2025-07-19. Review status: criteria provided, single submitter. Criteria: Ambry Variant Classification Scheme 2023. Collection method: clinical testing. Allele origin: germline.
Comment: The p.A2T variant (also known as c.4G>A), located in coding exon 1 of the SDHC gene, results from a G to A substitution at nucleotide position 4. The alanine at codon 2 is replaced by threonine, an amino acid with similar properties. This amino acid position is highly conserved in available vertebrate species. In addition, this alteration is predicted to be deleterious by in silico analysis. Since supporting evidence is limited at this time, the clinical significance of this alteration remains unclear.

Labcorp Genetics (formerly Invitae), Labcorp
Classification: Uncertain significance for Pheochromocytoma/paraganglioma syndrome 3; Gastrointestinal stromal tumor. Last evaluated: 2025-01-12. Review status: criteria provided, single submitter. Criteria: Invitae Variant Classification Sherloc (09022015). Collection method: clinical testing. Allele origin: germline.
Comment: This sequence change replaces alanine, which is neutral and non-polar, with threonine, which is neutral and polar, at codon 2 of the SDHC protein (p.Ala2Thr). This variant is not present in population databases (gnomAD no frequency). This variant has not been reported in the literature in individuals affected with SDHC-related conditions. ClinVar contains an entry for this variant (Variation ID: 465977). An algorithm developed to predict the effect of missense changes on protein structure and function (PolyPhen-2) suggests that this variant is likely to be disruptive. In summary, the available evidence is currently insufficient to determine the role of this variant in disease. Therefore, it has been classified as a Variant of Uncertain Significance.

Baylor Genetics
Classification: Uncertain significance for Gastrointestinal stromal tumor. Last evaluated: 2023-08-17. Review status: criteria provided, single submitter. Criteria: ACMG Guidelines, 2015. Collection method: clinical testing. Allele origin: unknown.

NM_003001.5(SDHC):c.4G>A (p.Ala2Thr)

Gene: SDHC (succinate dehydrogenase complex subunit C; plus strand). Cytogenetic location: 1q23.3.
Variant type: single nucleotide variant.
Coding change: c.4G>A on transcript NM_003001.5 (MANE Select); coding-DNA position 4, G replaced by A.
Protein change: p.Ala2Thr; replaces alanine 2 with threonine.
Molecular consequence: missense variant.
Genome position (GRCh38, 1-based): chr1:161,314,409, G>A. VCF-style: chr1-161314409-G-A. GRCh37 (hg19) VCF-style: chr1-161284199-G-A.
Other names: c.4G>A, p.Ala2Thr (NM_001035511.3, NM_001035512.3, NM_001035513.3 and 6 more transcripts); c.-557G>A (NM_001407119.1); c.-226G>A (NM_001407120.1); short protein forms A2T.
Identifiers: ClinVar variation 465977 (VCV000465977.14), dbSNP rs1198315342, ClinGen allele CA343354908.